The following is an entry in ClinVar:

ClinVar aggregate classification (germline): Pathogenic (1 of 4 stars; one submission).

gnomAD v4.1: 1 of 1,614,028 alleles (0.000062%); no homozygotes.

Submission:

Labcorp Genetics (formerly Invitae), Labcorp
Classification: Pathogenic. Last evaluated: 2024-12-02. Review status: criteria provided, single submitter. Criteria: Invitae Variant Classification Sherloc (09022015). Collection method: clinical testing. Allele origin: germline.
Comment: This sequence change creates a premature translational stop signal (p.Trp2261*) in the USH2A gene. It is expected to result in an absent or disrupted protein product. Loss-of-function variants in USH2A are known to be pathogenic (PMID: 10729113, 10909849, 20507924, 25649381). This variant is not present in population databases (gnomAD no frequency). This variant has not been reported in the literature in individuals affected with USH2A-related conditions. ClinVar contains an entry for this variant (Variation ID: 1070534). For these reasons, this variant has been classified as Pathogenic.

Literature cited by the submitters: PubMed 10729113; PubMed 10909849; PubMed 20507924; PubMed 25649381.

NM_206933.4(USH2A):c.6782G>A (p.Trp2261Ter)

Gene: USH2A (usherin; minus strand). Cytogenetic location: 1q41.
Variant type: single nucleotide variant.
Coding change: c.6782G>A on transcript NM_206933.4 (MANE Select); coding-DNA position 6782, G replaced by A.
Protein change: p.Trp2261Ter; replaces tryptophan 2261 with a stop codon.
Molecular consequence: nonsense.
Genome position (GRCh38, 1-based): chr1:215,993,043, C>T on the plus strand (G>A on the coding strand, the complement: USH2A is on the minus strand). VCF-style: chr1-215993043-C-T. GRCh37 (hg19) VCF-style: chr1-216166385-C-T.
Other names: short protein forms W2261*.
Identifiers: ClinVar variation 1070534 (VCV001070534.8), dbSNP rs2102476647, ClinGen allele CA344860237.
Genomic context (GRCh38, chr1:215,993,043, plus strand): 5'-TCATCTTTTTAACTTGAGGCTAAAAGAGTTCACTTACCATTCGGATATTCAGGCTCAGTC[C>T]AGGAGACATTAAAGGAGTCAGGTGAATATGAGTGGGCTTTGGGGGCTGGCACGCCTTCGG-3'